The following is an entry in ClinVar:

ClinVar aggregate classification (germline): Pathogenic. Review status: criteria provided, multiple submitters, no conflicts (2 of 4 stars). 70 submissions from 67 submitters: Pathogenic (57). 13 of the submissions do not count toward it. Last evaluated 2026-09-08.

Conditions:
Germ cell tumor of testis (TGCT). Also called: GERM CELL TUMOR, SOMATIC; Testicular germ cell tumor. Identifiers: Orphanet 363504, MedGen C1336708, MONDO:0010108, OMIM 273300.
Epidermal nevus. Also called: NEVUS, KERATINOCYTIC, NONEPIDERMOLYTIC; Nevus, epidermal, somatic. Identifiers: Orphanet 79414, MedGen C0334082, MONDO:0008093, OMIM 162900, HP:0010816.
Colorectal cancer. Also called: Colorectal cancer, somatic; Malignant Colorectal Neoplasm. Identifiers: MedGen C0346629, MONDO:0005575, OMIM 114500.
Thanatophoric dysplasia type 1 (TD1). Also called: Thanatophoric Dysplasia Type 1 (TD Type 1); LETHAL SHORT-LIMBED PLATYSPONDYLIC DWARFISM, SAN DIEGO TYPE; PLATYSPONDYLIC LETHAL SKELETAL DYSPLASIA, SAN DIEGO TYPE. Identifiers: Orphanet 1860, Orphanet 2655, MedGen C1868678, MONDO:0008546, OMIM 187600. Disease mechanism: gain of function.
Thanatophoric dysplasia, type 2 (TD2). Also called: CLOVERLEAF SKULL WITH THANATOPHORIC DWARFISM; Thanatophoric Dysplasia Type 2 (TD Type 2); THANATOPHORIC DYSPLASIA WITH KLEEBLATTSCHAEDEL; THANATOPHORIC DYSPLASIA WITH STRAIGHT FEMURS AND CLOVERLEAF SKULL. Identifiers: Orphanet 2655, Orphanet 93274, MedGen C1300257, MONDO:0008547, OMIM 187601. Disease mechanism: gain of function.
Cervical cancer. Also called: Cervix cancer; Cervical cancer, somatic; Cancer of cervix. Identifiers: MedGen C4048328, MONDO:0002974, OMIM 603956, HP:0030079.
Camptodactyly-tall stature-scoliosis-hearing loss syndrome. Also called: CATSHL SYNDROME. Identifiers: Orphanet 85164, MedGen C1864852, MONDO:0012504, OMIM 610474.
Severe achondroplasia-developmental delay-acanthosis nigricans syndrome. Also called: Severe achondroplasia with developmental delay and acanthosis nigricans; SADDAN dysplasia. Identifiers: Orphanet 85165, MedGen C2674173, MONDO:0014658, OMIM 616482.
Malignant tumor of urinary bladder. Also called: Urinary Bladder Neoplasms; Bladder cancer; Urinary bladder cancer. Identifiers: MedGen C0005684, MONDO:0001187, OMIM 109800.
Muenke syndrome (MNKES). Also called: MUENKE NONSYNDROMIC CORONAL CRANIOSYNOSTOSIS. Identifiers: Orphanet 53271, MedGen C1864436, MONDO:0011274, OMIM 602849.
Achondroplasia (ACH). Also called: Achondroplastic dwarfism. Identifiers: Orphanet 15, MedGen C0001080, MONDO:0007037, OMIM 100800. Disease mechanism: gain of function.
Lacrimoauriculodentodigital syndrome 2 (LADD2). Also called: LADD SYNDROME 2. Identifiers: MedGen C5774286, MONDO:0859577, OMIM 620192.
Hypochondroplasia (HCH). Identifiers: Orphanet 429, MedGen C0410529, MONDO:0007793, OMIM 146000. Disease mechanism: gain of function.
Crouzon syndrome-acanthosis nigricans syndrome. Also called: CROUZONODERMOSKELETAL SYNDROME. Identifiers: Orphanet 93262, MedGen C2677099, MONDO:0012833, OMIM 612247.
FGFR3-related chondrodysplasia. Identifiers: Orphanet 93420, MedGen C5681604, MONDO:0019685.
FGFR3-related disorder. Also called: FGFR3-related disorders.
Connective tissue disorder. Also called: Connective tissue disease. Identifiers: MedGen C0009782, MONDO:0003900.
Carcinoma of colon (CRC). Also called: Colon carcinoma; Colonic carcinoma. Identifiers: MedGen C0699790, MONDO:0002032.
Malignant tumor of testis. Also called: Testicular cancer. Identifiers: MedGen C0153594, MONDO:0005447.
Levy-Hollister syndrome (LADD). Also called: LADD syndrome. Identifiers: Orphanet 2363, MedGen C0265269, MONDO:0007872.
Inborn genetic diseases. Identifiers: MedGen C0950123, MeSH D030342.
Intellectual disability. Also called: Intellectual functioning disability; intellectual disabilities; Intellectual developmental disorder. Identifiers: MedGen C3714756, MeSH D008607, MONDO:0001071, HP:0001249.

Allele frequency attached by ClinVar (database versions not stated): TOPMed 0.00002.
gnomAD v4.1: 7 of 1,613,160 alleles (0.00043%); highest among the groups gnomAD compares: South Asian, 0.0011%; no homozygotes.

Submissions 1 to 8 of 70:

PreventionGenetics, part of Exact Sciences
Classification: Pathogenic for FGFR3-related condition. Last evaluated: 2026-09-08. Review status: criteria provided, single submitter. Criteria: ACMG Guidelines, 2015. Collection method: clinical testing. Allele origin: germline.
Comment: The FGFR3 c.1138G>A variant is predicted to result in the amino acid substitution p.Gly380Arg. This variant has been reported to be a recurrent pathogenic variant and the most common causative variant in FGFR3 for autosomal dominant achondroplasia (Shiang et al. 1994. PubMed ID: 7913883; Bellus et al. 1995. PubMed ID: 7847369; Xue et al. 2014. PubMed ID: 25614871). It has also been reported in a patient with achondroplasia that presented with scaphocephaly (Accogli et al. 2015. PubMed ID: 25691418). This variant has not been reported in gnomAD. This variant is interpreted as pathogenic.

Genetics Laboratory, Great Ormond Street Hospital NHS Foundation Trust, North Thames Genomic Laboratory Hub
Classification: Pathogenic for Hypochondroplasia. Last evaluated: 2026-07-01. Review status: criteria provided, single submitter. Criteria: ACGS Best Practice Guidelines for Variant Classification in Rare Disease 2024 v1.2. Collection method: clinical testing. Allele origin: germline. Affected: yes.
Comment: PS4_moderate, PM2_moderate, PS1_strong, PS3_strong, PM1_moderate, PS2_very-strong

Genomenon, Inc
Classification: Pathogenic for FGFR3-related chondrodysplasia. Last evaluated: 2026-06-23. Review status: criteria provided, single submitter. Criteria: Genomenon Sequence Variant Interpretation Standards - Updated. Collection method: curation. Allele origin: germline. Affected: yes.
Comment: FGFR3 p.Gly380Arg (c.1138G>A) is a missense variant that changes the amino acid at codon 380 from Glycine to Arginine. This variant has been observed in multiple probands with an FGFR3-related disorder (PMID:25614871;33942288;32502767). A de novo occurrence of this variant has been observed in at least one affected individual (PMID:33942288;32502767). At least one functional study has demonstrated a substantial alteration in protein function relative to the wild-type (PMID:23056398;8754806). It is absent or not present at a significant frequency in gnomAD. In silico models predict that this variant is possibly or probably damaging. In conclusion, we classify FGFR3 p.Gly380Arg (c.1138G>A) as a pathogenic variant.

CeGaT Center for Human Genetics Tuebingen
Classification: Pathogenic. Last evaluated: 2026-06-01. Review status: criteria provided, single submitter. Criteria: CeGaT Center For Human Genetics Tuebingen Variant Classification Criteria Version 2. Collection method: clinical testing. Allele origin: germline. Affected: yes. Observed: 12 variant alleles.
Comment: FGFR3: PS2:Very Strong, PS1, PS4, PM2, PP4

Institute of Human Genetics, University of Leipzig Medical Center
Classification: Pathogenic for Achondroplasia. Last evaluated: 2026-03-02. Review status: criteria provided, single submitter. Criteria: ACMG Guidelines, 2015. Collection method: clinical testing. Allele origin: unknown. Inheritance: Autosomal dominant inheritance. Affected: yes.
Comment: Criteria applied: PS1,PS3,PS4,PM1,PP3,PP4

Labcorp Genetics (formerly Invitae), Labcorp
Classification: Pathogenic. Last evaluated: 2026-01-27. Review status: criteria provided, single submitter. Criteria: Invitae Variant Classification Sherloc (09022015). Collection method: clinical testing. Allele origin: germline.
Comment: This sequence change replaces glycine, which is neutral and non-polar, with arginine, which is basic and polar, at codon 380 of the FGFR3 protein (p.Gly380Arg). This variant is not present in population databases (gnomAD no frequency). This is the most commonly observed variant in individuals with achondroplasia, accounting for approximately 70% of reported cases (PMID: 22045636, 25614871). It has also been reported in a few individuals with hypochondroplasia (PMID: 25614871) or with both achondroplasia and craniosynostosis (PMID: 21739570, 25691418). ClinVar contains an entry for this variant (Variation ID: 16327). A different variant (c.1138G>C) giving rise to the same protein effect observed here (p.Gly380Arg) has also been reported in individuals with achondroplasia. Together, these two variants (c.1138G>A and c.1138G>C) are observed in approximately 90% of individuals with achondroplasia (PMID: 22045636, 25614871). For these reasons, this variant has been classified as Pathogenic.

3billion
Classification: Pathogenic for FGFR3-related disorder. Last evaluated: 2026-01-21. Review status: criteria provided, single submitter. Criteria: ACMG Guidelines, 2015. Collection method: clinical testing. Allele origin: germline. Affected: yes.
Comment: The variant is observed at an extremely low frequency in the gnomAD v4.1.0 dataset (total allele frequency: <0.001%). Predicted Consequence/Location: Missense variant. Missense changes are a common disease-causing mechanism. Functional studies provide strong evidence of the variant having a damaging effect on the gene or gene product (PMID: 23056398, 28230213). In silico tool predictions suggest damaging effect of the variant on gene or gene product [REVEL: 0.70 (>=0.6, sensitivity 0.68 and specificity 0.92); 3Cnet: 0.95 (> 0.75, sensitivity 0.96 and precision 0.92)]. The same nucleotide change resulting in the same amino acid change has been previously reported as pathogenic/likely pathogenic with strong evidence (ClinVar ID: VCV000016327 /PMID: 7913883 /3billion dataset). The variant has been observed in multiple (>3) similarly affected unrelated individuals (PMID: 25614871). A different missense change at the same codon (p.Gly380Lys) has been reported to be associated with FGFR3-related disorder (PMID: 17256796). Therefore, this variant is classified as Pathogenic according to the recommendation of ACMG/AMP guideline.

Genetics and Genomic Medicine Centre, NeuroGen Healthcare, NeuroGen Healthcare
Classification: Pathogenic for Achondroplasia. Last evaluated: 2026-01-14. Review status: criteria provided, single submitter. Criteria: ACMG Guidelines, 2015. Collection method: clinical testing. Allele origin: unknown. Affected: yes.

NM_000142.5(FGFR3):c.1138G>A (p.Gly380Arg)

Gene: FGFR3 (fibroblast growth factor receptor 3; plus strand). Cytogenetic location: 4p16.3.
Variant type: single nucleotide variant.
Coding change: c.1138G>A on transcript NM_000142.5 (MANE Select); coding-DNA position 1138, G replaced by A.
Protein change: p.Gly380Arg; replaces glycine 380 with arginine.
Molecular consequence: missense variant. On other transcripts: non-coding transcript variant (1), intron variant (1).
Genome position (GRCh38, 1-based): chr4:1,804,392, G>A. VCF-style: chr4-1804392-G-A. GRCh37 (hg19) VCF-style: chr4-1806119-G-A.
Other names: FGFR3, GLY380ARG, 1138G-A; NP_000133.1:p.Gly380Arg; c.1138G>A (LRG_1021t1); c.[1138G>A] (NM_000142.4); c.1144G>A, p.Gly382Arg (NM_001163213.2); c.1138G>A, p.Gly380Arg (NM_001354809.2, NM_001354810.2); c.931-432G>A (NM_022965.4); short protein forms G380R, G382R.
Identifiers: ClinVar variation 16327 (VCV000016327.159), dbSNP rs28931614, ClinGen allele CA129944.
Genomic context (GRCh38, chr4:1,804,392, plus strand): 5'-GAGGAGGAGCTGGTGGAGGCTGACGAGGCGGGCAGTGTGTATGCAGGCATCCTCAGCTAC[G>A]GGGTGGGCTTCTTCCTGTTCATCCTGGTGGTGGCGGCTGTGACGCTCTGCCGCCTGCGCA-3'
Protein context (NP_000133.1, residues 370-390): GSVYAGILSY[Gly380Arg]VGFFLFILVV